The following is an entry in ClinVar:

NM_000548.5(TSC2):c.4663-2A>G

Gene: TSC2 (TSC complex subunit 2; plus strand). Cytogenetic location: 16p13.3.
Variant type: single nucleotide variant.
Coding change: c.4663-2A>G on transcript NM_000548.5 (MANE Select); the canonical splice acceptor site of the intron before coding-DNA position 4663, A replaced by G.
Molecular consequence: splice acceptor variant.
Genome position (GRCh38, 1-based): chr16:2,086,191, A>G. VCF-style: chr16-2086191-A-G. GRCh37 (hg19) VCF-style: chr16-2136192-A-G.
Other names: c.3121-2A>G (NM_001406693.1, NM_001406692.1, NM_001406694.1); c.4555-2A>G (NM_001406667.1); c.4552-2A>G (NM_001406668.1); c.4063-2A>G (NM_001406680.1); c.3994-2A>G (NM_001406683.1, NM_001406682.1); c.3862-2A>G (NM_001406687.1, NM_001406688.1); c.3250-2A>G (NM_001406689.1); c.3190-2A>G (NM_001406690.1); and 26 more.
Identifiers: ClinVar variation 1742266 (VCV001742266.5), dbSNP rs2151569037, ClinGen allele CA394306824.

ClinVar aggregate classification (germline): Pathogenic. Review status: criteria provided, multiple submitters, no conflicts (2 of 4 stars). 2 submissions from 2 submitters: Pathogenic (2). Last evaluated 2023-12-06.

Conditions:
Tuberous sclerosis 2 (TSC2). Identifiers: Orphanet 805, MedGen C1860707, MONDO:0013199, OMIM 613254.
Hereditary cancer-predisposing syndrome. Also called: Neoplastic Syndromes, Hereditary; Tumor predisposition; Hereditary Cancer Syndrome; Hereditary neoplastic syndrome. Identifiers: Orphanet 140162, MedGen C0027672, MeSH D009386, MONDO:0015356.

Submissions (2):

Labcorp Genetics (formerly Invitae), Labcorp
Classification: Pathogenic for Tuberous sclerosis 2. Last evaluated: 2023-12-06. Review status: criteria provided, single submitter. Criteria: Invitae Variant Classification Sherloc (09022015). Collection method: clinical testing. Allele origin: germline.
Comment: This sequence change affects an acceptor splice site in intron 36 of the TSC2 gene. It is expected to disrupt RNA splicing. Variants that disrupt the donor or acceptor splice site typically lead to a loss of protein function (PMID: 16199547), and loss-of-function variants in TSC2 are known to be pathogenic (PMID: 10205261, 17304050). This variant is not present in population databases (gnomAD no frequency). Disruption of this splice site has been observed in individuals with tuberous sclerosis complex (PMID: 11112665; Invitae). ClinVar contains an entry for this variant (Variation ID: 1742266). Algorithms developed to predict the effect of sequence changes on RNA splicing suggest that this variant may disrupt the consensus splice site. For these reasons, this variant has been classified as Pathogenic.

Ambry Genetics
Classification: Pathogenic for Hereditary cancer-predisposing syndrome. Last evaluated: 2019-07-19. Review status: criteria provided, single submitter. Criteria: Ambry Variant Classification Scheme 2023. Collection method: clinical testing. Allele origin: germline.
Comment: The c.4663-2A>G intronic pathogenic mutation results from an A to G substitution two nucleotides upstream from coding exon 36 in the TSC2 gene. A nearby splicing variant, c.4663-1G>A, which is also predicted to impact this canonical splice site, has been reported in two sporadic tuberous sclerosis cases (Dabora SL et al. Am. J. Hum. Genet., 2001 Jan;68:64-80). In addition to the clinical data presented in the literature, alterations that disrupt the canonical splice site are expected to cause aberrant splicing, resulting in an abnormal protein or a transcript that is subject to nonsense-mediated mRNA decay. As such, this alteration is classified as a disease-causing mutation.

Literature cited by the submitters: PubMed 16199547 (cited by Labcorp Genetics (formerly Invitae), Labcorp); PubMed 10205261 (cited by Labcorp Genetics (formerly Invitae), Labcorp); PubMed 17304050 (cited by Labcorp Genetics (formerly Invitae), Labcorp); PubMed 11112665 (cited by Labcorp Genetics (formerly Invitae), Labcorp).